The following is an entry in ClinVar:

NM_001229.5(CASP9):c.408T>C (p.Phe136=)

Gene: CASP9 (caspase 9; minus strand). Cytogenetic location: 1p36.21.
Variant type: single nucleotide variant.
Coding change: c.408T>C on transcript NM_001229.5 (MANE Select); coding-DNA position 408, T replaced by C.
Protein change: p.Phe136=; no amino-acid change (phenylalanine 136 retained).
Molecular consequence: synonymous variant. On other transcripts: non-coding transcript variant (1).
Genome position (GRCh38, 1-based): chr1:15,518,120, A>G on the plus strand (T>C on the coding strand, the complement: CASP9 is on the minus strand). VCF-style: chr1-15518120-A-G. GRCh37 (hg19) VCF-style: chr1-15844615-A-G.
Other names: c.408T>C, p.Phe136= (NM_001278054.2); c.159T>C, p.Phe53= (NM_032996.3).
Identifiers: ClinVar variation 3058888 (VCV003058888.2), dbSNP rs1132312, ClinGen allele CA614632.

ClinVar aggregate classification (germline): Benign (0 of 4 stars; one submission).

Conditions:
CASP9-related disorder. Also called: CASP9-related condition.

Allele frequency attached by ClinVar (database versions not stated): gnomAD exomes 0.53147; ExAC 0.53651; TOPMed 0.58066; 1000 Genomes Project 30x 0.58167; 1000 Genomes Project 0.58486; ESP Exome Variant Server 0.58750; gnomAD 0.58766.
gnomAD v4.1: 866,370 of 1,613,430 alleles (54%); highest among the groups gnomAD compares: African/African-American, 70%; 236,280 homozygotes.

Submission:

PreventionGenetics, part of Exact Sciences
Classification: Benign for CASP9-related condition. Last evaluated: 2019-10-18. Review status: no assertion criteria provided. Collection method: clinical testing. Allele origin: germline.
Comment: This variant is classified as benign based on ACMG/AMP sequence variant interpretation guidelines (Richards et al. 2015 PMID: 25741868, with internal and published modifications).